The following is an entry in ClinVar:

NM_145064.3(STAC3):c.217G>C (p.Glu73Gln)

Gene: STAC3 (SH3 and cysteine rich domain 3; minus strand). Cytogenetic location: 12q13.3.
Variant type: single nucleotide variant.
Coding change: c.217G>C on transcript NM_145064.3 (MANE Select); coding-DNA position 217, G replaced by C.
Protein change: p.Glu73Gln; replaces glutamic acid 73 with glutamine.
Molecular consequence: missense variant. On other transcripts: intron variant (1).
Genome position (GRCh38, 1-based): chr12:57,249,158, C>G on the plus strand (G>C on the coding strand, the complement: STAC3 is on the minus strand). VCF-style: chr12-57249158-C-G. GRCh37 (hg19) VCF-style: chr12-57642941-C-G.
Other names: c.100G>C, p.Glu34Gln (NM_001286256.2); c.-126-960G>C (NM_001286257.2); short protein forms E34Q, E73Q.
Identifiers: ClinVar variation 959765 (VCV000959765.8), dbSNP rs777991873, ClinGen allele CA6647222.

ClinVar aggregate classification (germline): Uncertain significance (1 of 4 stars; one submission).

Conditions:
Bailey-Bloch congenital myopathy (CMYO13). Also called: Native American myopathy; STAC3 disorder; Congenital myopathy 13. Identifiers: Orphanet 168572, MedGen C1850625, MONDO:0009722, OMIM 255995.

Allele frequency attached by ClinVar (database versions not stated): gnomAD 0.00001 and 0.00002; TOPMed 0.00002; gnomAD exomes 0.00003 and 0.00004; ExAC 0.00006.
gnomAD v4.1: 45 of 1,613,916 alleles (0.0028%); highest among the groups gnomAD compares: Non-Finnish European, 0.0036%; no homozygotes.

Submission:

Labcorp Genetics (formerly Invitae), Labcorp
Classification: Uncertain significance for Bailey-Bloch congenital myopathy. Last evaluated: 2022-09-06. Review status: criteria provided, single submitter. Criteria: Invitae Variant Classification Sherloc (09022015). Collection method: clinical testing. Allele origin: germline.
Comment: In summary, the available evidence is currently insufficient to determine the role of this variant in disease. Therefore, it has been classified as a Variant of Uncertain Significance. Algorithms developed to predict the effect of missense changes on protein structure and function are either unavailable or do not agree on the potential impact of this missense change (SIFT: "Tolerated"; PolyPhen-2: "Probably Damaging"; Align-GVGD: "Class C0"). ClinVar contains an entry for this variant (Variation ID: 959765). This variant has not been reported in the literature in individuals affected with STAC3-related conditions. This variant is present in population databases (rs777991873, gnomAD 0.008%). This sequence change replaces glutamic acid, which is acidic and polar, with glutamine, which is neutral and polar, at codon 73 of the STAC3 protein (p.Glu73Gln).